The following is an entry in ClinVar:

NM_007347.5(AP4E1):c.2638A>G (p.Asn880Asp)

Gene: AP4E1 (adaptor related protein complex 4 subunit epsilon 1; plus strand). Cytogenetic location: 15q21.2.
Variant type: single nucleotide variant.
Coding change: c.2638A>G on transcript NM_007347.5 (MANE Select); coding-DNA position 2638, A replaced by G.
Protein change: p.Asn880Asp; replaces asparagine 880 with aspartic acid.
Molecular consequence: missense variant.
Genome position (GRCh38, 1-based): chr15:50,997,617, A>G. VCF-style: chr15-50997617-A-G. GRCh37 (hg19) VCF-style: chr15-51289814-A-G.
Other names: c.2638A>G (NM_007347.3); c.2413A>G, p.Asn805Asp (NM_001252127.2); short protein forms N805D, N880D.
Identifiers: ClinVar variation 839200 (VCV000839200.11), dbSNP rs201177806, ClinGen allele CA7559354.
Genomic context (GRCh38, chr15:50,997,617, plus strand): 5'-GAACTGCCCTTGGTTGAGAAATTCTCATATTGTAGTCTGTCTACACCTTCATTGTTTGCT[A>G]ATAACAACATGGAAATTTTTCACCCTCCTCAATCTACTGCAGCCTCAGTTGCCAAGGAAA-3'
Protein context (NP_031373.2, residues 870-890): CSLSTPSLFA[Asn880Asp]NNMEIFHPPQ

ClinVar aggregate classification (germline): Conflicting classifications of pathogenicity. Review status: criteria provided, conflicting classifications (1 of 4 stars). 2 submissions from 2 submitters: Uncertain significance (1); Likely benign (1). Last evaluated 2025-12-09.

Conditions:
Spastic paraplegia. Identifiers: MedGen C0037772, HP:0001258.
Inborn genetic diseases. Identifiers: MedGen C0950123, MeSH D030342.

Allele frequency attached by ClinVar (database versions not stated): gnomAD 0.00001; TOPMed 0.00001; ExAC 0.00002; gnomAD exomes 0.00003 and 0.00004.
gnomAD v4.1: 43 of 1,613,940 alleles (0.0027%); highest among the groups gnomAD compares: Non-Finnish European, 0.0022%; no homozygotes.

Submissions (2):

Ambry Genetics
Classification: Likely benign for Inborn genetic diseases. Last evaluated: 2025-12-09. Review status: criteria provided, single submitter. Criteria: Ambry Variant Classification Scheme 2023. Collection method: clinical testing. Allele origin: germline.

Labcorp Genetics (formerly Invitae), Labcorp
Classification: Uncertain significance for Spastic paraplegia. Last evaluated: 2024-05-29. Review status: criteria provided, single submitter. Criteria: Invitae Variant Classification Sherloc (09022015). Collection method: clinical testing. Allele origin: germline.
Comment: This sequence change replaces asparagine, which is neutral and polar, with aspartic acid, which is acidic and polar, at codon 880 of the AP4E1 protein (p.Asn880Asp). This variant is present in population databases (rs201177806, gnomAD 0.03%). This variant has not been reported in the literature in individuals affected with AP4E1-related conditions. ClinVar contains an entry for this variant (Variation ID: 839200). Algorithms developed to predict the effect of missense changes on protein structure and function output the following: SIFT: "Not Available"; PolyPhen-2: "Benign"; Align-GVGD: "Not Available". The aspartic acid amino acid residue is found in multiple mammalian species, which suggests that this missense change does not adversely affect protein function. In summary, the available evidence is currently insufficient to determine the role of this variant in disease. Therefore, it has been classified as a Variant of Uncertain Significance.